The following is an entry in ClinVar:

NM_004329.3(BMPR1A):c.322T>C (p.Phe108Leu)

Gene: BMPR1A (bone morphogenetic protein receptor type 1A; plus strand). Cytogenetic location: 10q23.2.
Variant type: single nucleotide variant.
Coding change: c.322T>C on transcript NM_004329.3 (MANE Select); coding-DNA position 322, T replaced by C.
Protein change: p.Phe108Leu; replaces phenylalanine 108 with leucine.
Molecular consequence: missense variant.
Genome position (GRCh38, 1-based): chr10:86,892,218, T>C. VCF-style: chr10-86892218-T-C. GRCh37 (hg19) VCF-style: chr10-88651975-T-C.
Other names: short protein forms F108L.
Identifiers: ClinVar variation 529943 (VCV000529943.11), dbSNP rs1554888328, ClinGen allele CA377448329.

ClinVar aggregate classification (germline): Uncertain significance. Review status: criteria provided, multiple submitters, no conflicts (2 of 4 stars). 3 submissions from 3 submitters: Uncertain significance (3). Last evaluated 2025-12-18.

Conditions:
Juvenile polyposis syndrome (JPS). Identifiers: Orphanet 2929, MedGen C0345893, MONDO:0017380, OMIM 174900.
Hereditary cancer-predisposing syndrome. Also called: Neoplastic Syndromes, Hereditary; Hereditary neoplastic syndrome; Tumor predisposition; Hereditary Cancer Syndrome. Identifiers: Orphanet 140162, MedGen C0027672, MeSH D009386, MONDO:0015356.
Polyposis syndrome, hereditary mixed, 2. Identifiers: Orphanet 157794, MedGen C1864730, MONDO:0012405, OMIM 610069.

Submissions (3):

Labcorp Genetics (formerly Invitae), Labcorp
Classification: Uncertain significance for Juvenile polyposis syndrome. Last evaluated: 2025-12-18. Review status: criteria provided, single submitter. Criteria: Invitae Variant Classification Sherloc (09022015). Collection method: clinical testing. Allele origin: germline.
Comment: This sequence change replaces phenylalanine, which is neutral and non-polar, with leucine, which is neutral and non-polar, at codon 108 of the BMPR1A protein (p.Phe108Leu). This variant is not present in population databases (gnomAD no frequency). This variant has not been reported in the literature in individuals affected with BMPR1A-related conditions. ClinVar contains an entry for this variant (Variation ID: 529943). Invitae Evidence Modeling of protein sequence and biophysical properties (such as structural, functional, and spatial information, amino acid conservation, physicochemical variation, residue mobility, and thermodynamic stability) indicates that this missense variant is not expected to disrupt BMPR1A protein function with a negative predictive value of 80%. In summary, the available evidence is currently insufficient to determine the role of this variant in disease. Therefore, it has been classified as a Variant of Uncertain Significance.

Ambry Genetics
Classification: Uncertain significance for Hereditary cancer-predisposing syndrome. Last evaluated: 2024-12-12. Review status: criteria provided, single submitter. Criteria: Ambry Variant Classification Scheme 2023. Collection method: clinical testing. Allele origin: germline.
Comment: The p.F108L variant (also known as c.322T>C), located in coding exon 3 of the BMPR1A gene, results from a T to C substitution at nucleotide position 322. The phenylalanine at codon 108 is replaced by leucine, an amino acid with highly similar properties. This amino acid position is conserved. In addition, this alteration is predicted to be deleterious by in silico analysis. Based on the available evidence, the clinical significance of this variant remains unclear.

Baylor Genetics
Classification: Uncertain significance for Polyposis syndrome, hereditary mixed, 2. Last evaluated: 2023-09-21. Review status: criteria provided, single submitter. Criteria: ACMG Guidelines, 2015. Collection method: clinical testing. Allele origin: unknown.